The following is an entry in ClinVar:

NM_018489.3(ASH1L):c.4096A>G (p.Met1366Val)

Gene: ASH1L (ASH1 like histone lysine methyltransferase; minus strand). Cytogenetic location: 1q22.
Variant type: single nucleotide variant.
Coding change: c.4096A>G on transcript NM_018489.3 (MANE Select); coding-DNA position 4096, A replaced by G.
Protein change: p.Met1366Val; replaces methionine 1366 with valine.
Molecular consequence: missense variant.
Genome position (GRCh38, 1-based): chr1:155,478,774, T>C on the plus strand (A>G on the coding strand, the complement: ASH1L is on the minus strand). VCF-style: chr1-155478774-T-C. GRCh37 (hg19) VCF-style: chr1-155448565-T-C.
Other names: c.4096A>G, p.Met1366Val (NM_001366177.2); short protein forms M1366V.
Identifiers: ClinVar variation 2582118 (VCV002582118.1), dbSNP rs1188215341, ClinGen allele CA342705198.

ClinVar aggregate classification (germline): Uncertain significance (1 of 4 stars; one submission).

Allele frequency attached by ClinVar (database versions not stated): gnomAD exomes below 0.00001.

Submission:

GeneDx
Classification: Uncertain significance. Last evaluated: 2023-03-28. Review status: criteria provided, single submitter. Criteria: GeneDx Variant Classification Process June 2021. Collection method: clinical testing. Allele origin: germline. Affected: yes.
Comment: Not observed at significant frequency in large population cohorts (gnomAD); In silico analysis supports that this missense variant does not alter protein structure/function; Observed in one individual from a large cohort of patients with autism (Guo et al., 2018); This variant is associated with the following publications: (PMID: 34373061, 30564305)